The following is an entry in ClinVar:

NM_000455.5(STK11):c.889_890del (p.Arg297fs)

Gene: STK11 (serine/threonine kinase 11; plus strand). Cytogenetic location: 19p13.3.
Variant type: Microsatellite.
Coding change: c.889_890del on transcript NM_000455.5 (MANE Select); coding-DNA positions 889 to 890, 2 bases deleted (AG; older notation c.889_890delAG).
Protein change: p.Arg297fs; shifts the reading frame from arginine 297.
Molecular consequence: frameshift variant.
Genome position (GRCh38, 1-based): chr19:1,221,975-1,221,976, AG deleted; deleting any 2 consecutive bases within chr19:1,221,973-1,221,976 gives the same sequence; the c. name uses the placement nearest the transcript's 3' end. VCF-style (leftmost placement, unchanged base first): chr19-1221972-AAG-A. GRCh37 (hg19) VCF-style: chr19-1221971-AAG-A.
Other names: c.889_890delAG (NM_000455.4); short protein forms R297fs.
Identifiers: ClinVar variation 1069286 (VCV001069286.8), dbSNP rs2145428733, ClinGen allele CA2580613014.
Genomic context (GRCh38, chr19:1,221,972, plus strand): 5'-TGCCCAGCTGACAGGCTCCTCGCCGGCTTCTCCTCAGGGATGCTTGAGTACGAACCGGCC[AAG>A]AGGTTCTCCATCCGGCAGATCCGGCAGCACAGGTGAGCGGCCCCTGGGGGCAGTGGGGCC-3'

ClinVar aggregate classification (germline): Pathogenic. Review status: criteria provided, multiple submitters, no conflicts (2 of 4 stars). 2 submissions from 2 submitters: Pathogenic (2). Last evaluated 2025-09-15.

Conditions:
Hereditary cancer-predisposing syndrome. Also called: Tumor predisposition; Neoplastic Syndromes, Hereditary; Hereditary neoplastic syndrome; Hereditary Cancer Syndrome. Identifiers: Orphanet 140162, MedGen C0027672, MeSH D009386, MONDO:0015356.
Peutz-Jeghers syndrome (PJS). Also called: POLYPOSIS, HAMARTOMATOUS INTESTINAL; POLYPS-AND-SPOTS SYNDROME; Peutz-Jeghers polyposis; Periorificial lentiginosis syndrome. Identifiers: Orphanet 2869, MedGen C0031269, MeSH D010580, MONDO:0008280, OMIM 175200.

Submissions (2):

Ambry Genetics
Classification: Pathogenic for Hereditary cancer-predisposing syndrome. Last evaluated: 2025-09-15. Review status: criteria provided, single submitter. Criteria: Ambry Variant Classification Scheme 2023. Collection method: clinical testing. Allele origin: germline.
Comment: The c.889_890delAG pathogenic mutation, located in coding exon 7 of the STK11 gene, results from a deletion of two nucleotides at nucleotide positions 889 to 890, causing a translational frameshift with a predicted alternate stop codon (p.R297Vfs*20). This variant is considered to be rare based on population cohorts in the Genome Aggregation Database (gnomAD). This alteration is expected to result in loss of function by premature protein truncation or nonsense-mediated mRNA decay. As such, this alteration is interpreted as a disease-causing mutation.

Labcorp Genetics (formerly Invitae), Labcorp
Classification: Pathogenic for Peutz-Jeghers syndrome. Last evaluated: 2020-07-08. Review status: criteria provided, single submitter. Criteria: Invitae Variant Classification Sherloc (09022015). Collection method: clinical testing. Allele origin: germline.
Comment: This sequence change creates a premature translational stop signal (p.Arg297Valfs*20) in the STK11 gene. It is expected to result in an absent or disrupted protein product. This variant has not been reported in the literature in individuals with STK11-related conditions. This variant is not present in population databases (ExAC no frequency). Loss-of-function variants in STK11 are known to be pathogenic (PMID: 15188174, 16287113). For these reasons, this variant has been classified as Pathogenic.

Literature cited by the submitters: PubMed 15188174 (cited by Labcorp Genetics (formerly Invitae), Labcorp); PubMed 16287113 (cited by Labcorp Genetics (formerly Invitae), Labcorp).